The following is an entry in ClinVar:

NM_032043.3(BRIP1):c.1536G>A (p.Glu512=)

Gene: BRIP1 (BRCA1 interacting DNA helicase 1; minus strand). Cytogenetic location: 17q23.2.
Variant type: single nucleotide variant.
Coding change: c.1536G>A on transcript NM_032043.3 (MANE Select); coding-DNA position 1536, G replaced by A.
Protein change: p.Glu512=; no amino-acid change (glutamic acid 512 retained).
Molecular consequence: synonymous variant.
Genome position (GRCh38, 1-based): chr17:61,784,362, C>T on the plus strand (G>A on the coding strand, the complement: BRIP1 is on the minus strand). VCF-style: chr17-61784362-C-T. GRCh37 (hg19) VCF-style: chr17-59861723-C-T.
Identifiers: ClinVar variation 230372 (VCV000230372.18), dbSNP rs876658531, ClinGen allele CA10580838.

ClinVar aggregate classification (germline): Benign/Likely benign. Review status: criteria provided, multiple submitters, no conflicts (2 of 4 stars). 3 submissions from 3 submitters: Benign (1); Likely benign (2). Last evaluated 2025-12-06.

Conditions:
Fanconi anemia complementation group J. Also called: BRIP1-Related Fanconi Anemia. Identifiers: Orphanet 84, MedGen C1836860, MONDO:0012187, OMIM 609054.
Familial cancer of breast. Also called: Hereditary breast cancer; hereditary breast carcinoma; BREAST CANCER, FAMILIAL. Identifiers: Orphanet 227535, MedGen C0346153, MONDO:0016419, OMIM 114480. Disease mechanism: loss of function.
Hereditary cancer-predisposing syndrome. Also called: Hereditary Cancer Syndrome; Neoplastic Syndromes, Hereditary; Tumor predisposition; Hereditary neoplastic syndrome. Identifiers: Orphanet 140162, MedGen C0027672, MeSH D009386, MONDO:0015356.

Allele frequency attached by ClinVar (database versions not stated): gnomAD exomes below 0.00001.
gnomAD v4.1: 5 of 1,613,306 alleles (0.00031%); highest among the groups gnomAD compares: Non-Finnish European, 0.00025%; no homozygotes.

Submissions (3):

Labcorp Genetics (formerly Invitae), Labcorp
Classification: Likely benign for Familial cancer of breast; Fanconi anemia complementation group J. Last evaluated: 2025-12-06. Review status: criteria provided, single submitter. Criteria: Invitae Variant Classification Sherloc (09022015). Collection method: clinical testing. Allele origin: germline.

Myriad Genetics, Inc.
Classification: Benign for Familial cancer of breast. Last evaluated: 2024-08-28. Review status: criteria provided, single submitter. Criteria: Myriad Autosomal Dominant, Autosomal Recessive and X-Linked Classification Criteria (2023). Collection method: clinical testing. Allele origin: unknown.
Comment: This variant is considered benign. This variant is a silent/synonymous amino acid change and it is not expected to impact splicing.

Ambry Genetics
Classification: Likely benign for Hereditary cancer-predisposing syndrome. Last evaluated: 2015-02-16. Review status: criteria provided, single submitter. Criteria: Ambry Variant Classification Scheme 2023. Collection method: clinical testing. Allele origin: germline.